The following is an entry in ClinVar:

ClinVar aggregate classification (germline): Uncertain significance (1 of 4 stars; one submission).

Conditions:
Hereditary cancer-predisposing syndrome. Also called: Neoplastic Syndromes, Hereditary; Tumor predisposition; Hereditary neoplastic syndrome; Hereditary Cancer Syndrome. Identifiers: Orphanet 140162, MedGen C0027672, MeSH D009386, MONDO:0015356.

Submission:

Ambry Genetics
Classification: Uncertain significance for Hereditary cancer-predisposing syndrome. Last evaluated: 2026-08-15. Review status: criteria provided, single submitter. Criteria: Ambry Variant Classification Scheme 2023. Collection method: clinical testing. Allele origin: germline.
Comment: The p.G33R variant (also known as c.97G>A), located in coding exon 2 of the SMARCB1 gene, results from a G to A substitution at nucleotide position 97. The glycine at codon 33 is replaced by arginine, an amino acid with dissimilar properties. This amino acid position is conserved. In addition, this alteration is predicted to be deleterious by in silico analysis. Based on the available evidence, the clinical significance of this variant remains unclear.

NM_003073.5(SMARCB1):c.97G>A (p.Gly33Arg)

Gene: SMARCB1 (SWI/SNF related BAF chromatin remodeling complex subunit B1; plus strand). Cytogenetic location: 22q11.23.
Variant type: single nucleotide variant.
Coding change: c.97G>A on transcript NM_003073.5 (MANE Select); coding-DNA position 97, G replaced by A.
Protein change: p.Gly33Arg; replaces glycine 33 with arginine.
Molecular consequence: missense variant.
Genome position (GRCh38, 1-based): chr22:23,791,759, G>A. VCF-style: chr22-23791759-G-A. GRCh37 (hg19) VCF-style: chr22-24133946-G-A.
Other names: c.97G>A, p.Gly33Arg (NM_001007468.3, NM_001317946.2, NM_001362877.2); short protein forms G33R.
Identifiers: ClinVar variation 5029944 (VCV005029944.1).